The following is an entry in ClinVar:

ClinVar aggregate classification (germline): Uncertain significance (1 of 4 stars; one submission).

Allele frequency attached by ClinVar (database versions not stated): gnomAD exomes below 0.00001.
gnomAD v4.1: 4 of 1,613,906 alleles (0.00025%); highest among the groups gnomAD compares: African/African-American, 0.0027%; no homozygotes.

Submission:

Labcorp Genetics (formerly Invitae), Labcorp
Classification: Uncertain significance. Last evaluated: 2022-05-13. Review status: criteria provided, single submitter. Criteria: Invitae Variant Classification Sherloc (09022015). Collection method: clinical testing. Allele origin: germline.
Comment: This sequence change replaces glycine, which is neutral and non-polar, with arginine, which is basic and polar, at codon 659 of the USH2A protein (p.Gly659Arg). This variant is not present in population databases (gnomAD no frequency). This variant has not been reported in the literature in individuals affected with USH2A-related conditions. Algorithms developed to predict the effect of missense changes on protein structure and function are either unavailable or do not agree on the potential impact of this missense change (SIFT: "Deleterious"; PolyPhen-2: "Probably Damaging"; Align-GVGD: "Class C15"). Algorithms developed to predict the effect of sequence changes on RNA splicing suggest that this variant may disrupt the consensus splice site. In summary, the available evidence is currently insufficient to determine the role of this variant in disease. Therefore, it has been classified as a Variant of Uncertain Significance.

NM_206933.4(USH2A):c.1975G>A (p.Gly659Arg)

Gene: USH2A (usherin; minus strand). Cytogenetic location: 1q41.
Variant type: single nucleotide variant.
Coding change: c.1975G>A on transcript NM_206933.4 (MANE Select); coding-DNA position 1975, G replaced by A.
Protein change: p.Gly659Arg; replaces glycine 659 with arginine.
Molecular consequence: missense variant.
Genome position (GRCh38, 1-based): chr1:216,251,095, C>T on the plus strand (G>A on the coding strand, the complement: USH2A is on the minus strand). VCF-style: chr1-216251095-C-T. GRCh37 (hg19) VCF-style: chr1-216424437-C-T.
Other names: c.1975G>A, p.Gly659Arg (NM_007123.6); short protein forms G659R.
Identifiers: ClinVar variation 1515867 (VCV001515867.3), dbSNP rs2036153374, ClinGen allele CA344866829.